The following is an entry in ClinVar:

NM_017612.5(ZCCHC8):c.833A>T (p.Glu278Val)

Gene: ZCCHC8 (zinc finger CCHC-type containing 8; minus strand). Cytogenetic location: 12q24.31.
Variant type: single nucleotide variant.
Coding change: c.833A>T on transcript NM_017612.5 (MANE Select); coding-DNA position 833, A replaced by T.
Protein change: p.Glu278Val; replaces glutamic acid 278 with valine.
Molecular consequence: missense variant.
Genome position (GRCh38, 1-based): chr12:122,481,987, T>A on the plus strand (A>T on the coding strand, the complement: ZCCHC8 is on the minus strand). VCF-style: chr12-122481987-T-A. GRCh37 (hg19) VCF-style: chr12-122966534-T-A.
Other names: c.119A>T, p.Glu40Val (NM_001350938.2, NM_001350937.2); c.602A>T, p.Glu201Val (NM_001350935.2); c.536A>T, p.Glu179Val (NM_001350936.2); short protein forms E278V, E201V, E179V, E40V.
Identifiers: ClinVar variation 3689179 (VCV003689179.2).

ClinVar aggregate classification (germline): Uncertain significance (1 of 4 stars; one submission).

gnomAD v4.1: 7 of 1,610,798 alleles (0.00043%); highest among the groups gnomAD compares: South Asian, 0.0022%; no homozygotes.

Submission:

Labcorp Genetics (formerly Invitae), Labcorp
Classification: Uncertain significance. Last evaluated: 2024-06-14. Review status: criteria provided, single submitter. Criteria: Invitae Variant Classification Sherloc (09022015). Collection method: clinical testing. Allele origin: germline.
Comment: This sequence change replaces glutamic acid, which is acidic and polar, with valine, which is neutral and non-polar, at codon 278 of the ZCCHC8 protein (p.Glu278Val). This variant is present in population databases (no rsID available, gnomAD 0.0009%). This variant has not been reported in the literature in individuals affected with ZCCHC8-related conditions. Advanced modeling of protein sequence and biophysical properties (such as structural, functional, and spatial information, amino acid conservation, physicochemical variation, residue mobility, and thermodynamic stability) performed at Invitae indicates that this missense variant is expected to disrupt ZCCHC8 protein function with a positive predictive value of 80%. In summary, the available evidence is currently insufficient to determine the role of this variant in disease. Therefore, it has been classified as a Variant of Uncertain Significance.